The following is an entry in ClinVar:

ClinVar aggregate classification (germline): Uncertain significance (1 of 4 stars; one submission).

Conditions:
Hereditary pheochromocytoma and paraganglioma. Also called: Hereditary pheochromocytoma-paraganglioma; Hereditary Paraganglioma-Pheochromocytoma Syndromes; Hereditary paragangliomas and pheochromocytomas. Identifiers: Orphanet 29072, MedGen C4274332, MONDO:0017366.

Allele frequency attached by ClinVar (database versions not stated): gnomAD exomes below 0.00001.
gnomAD v4.1: 1 of 1,614,200 alleles (0.000062%); highest among the groups gnomAD compares: Admixed American, 0.0017%; no homozygotes.

Submission:

All of Us Research Program, National Institutes of Health
Classification: Uncertain significance for Hereditary pheochromocytoma and paraganglioma. Last evaluated: 2023-11-30. Review status: criteria provided, single submitter. Criteria: ACMG Guidelines, 2015. Collection method: clinical testing. Allele origin: germline. Inheritance: Autosomal dominant inheritance. Observed: 1 variant allele, 1 heterozygote.
Comment: This study involves interpretation of variants in research participants for the purpose of population health screening. Participant phenotype was not available at the time of variant classification. Additional details can be found in publication PMID: 35346344, PMCID: PMC8962531

NM_017841.4(SDHAF2):c.112G>C (p.Asp38His)

Gene: SDHAF2 (succinate dehydrogenase complex assembly factor 2; plus strand). Cytogenetic location: 11q12.2.
Variant type: single nucleotide variant.
Coding change: c.112G>C on transcript NM_017841.4 (MANE Select); coding-DNA position 112, G replaced by C.
Protein change: p.Asp38His; replaces aspartic acid 38 with histidine.
Molecular consequence: missense variant.
Genome position (GRCh38, 1-based): chr11:61,437,700, G>C. VCF-style: chr11-61437700-G-C. GRCh37 (hg19) VCF-style: chr11-61205172-G-C.
Other names: short protein forms D38H.
Identifiers: ClinVar variation 3073999 (VCV003073999.1), dbSNP rs2540124128, ClinGen allele CA380683112.